The following is an entry in ClinVar:

ClinVar aggregate classification (germline): Conflicting classifications of pathogenicity. Review status: criteria provided, conflicting classifications (1 of 4 stars). 2 submissions from 2 submitters: Likely risk allele (1); Uncertain significance (1). Last evaluated 2017-09-26.

Conditions:
Wolfram syndrome 1 (WFS1). Identifiers: Orphanet 3463, MedGen C4551693, MONDO:0009101, OMIM 222300.

Allele frequency attached by ClinVar (database versions not stated): TOPMed below 0.00001.

Submissions (2):

Eurofins Ntd Llc (ga)
Classification: Uncertain significance. Last evaluated: 2017-09-26. Review status: criteria provided, single submitter. Criteria: EGL Classification Definitions 2015. Collection method: clinical testing. Allele origin: germline. Observed: 1 variant allele, 1 heterozygote.

Clinical Genomics, Uppaluri K&H Personalized Medicine Clinic
Classification: Likely risk allele for Wolfram syndrome 1. Review status: criteria provided, single submitter. Criteria: K & H Uppaluri Personalized Medicine Clinic Variant Classification & Assertion Criteria_Updated V.1. Collection method: research. Allele origin: unknown. Inheritance: Autosomal recessive inheritance.
Comment: Potent mutations in WFS1 gene are associated with Wolfram's syndrome, an autosomal recessive condition, which cause diabetes mellitus, diabetes insipidus, deafness and optic atrophy. However no sufficient evidence is found to ascertain the role of this particular variant rs1409267086 in Wolfram's syndrome yet.

Literature cited by the submitters: PubMed 20738327 (cited by Clinical Genomics, Uppaluri K&H Personalized Medicine Clinic); PubMed 33879153 (cited by Clinical Genomics, Uppaluri K&H Personalized Medicine Clinic); PubMed 12955714 (cited by Clinical Genomics, Uppaluri K&H Personalized Medicine Clinic); PubMed 18060660 (cited by Clinical Genomics, Uppaluri K&H Personalized Medicine Clinic); PubMed 20301750 (cited by Clinical Genomics, Uppaluri K&H Personalized Medicine Clinic); PubMed 17603484 (cited by Clinical Genomics, Uppaluri K&H Personalized Medicine Clinic).

NM_006005.3(WFS1):c.2201T>A (p.Leu734His)

Gene: WFS1 (wolframin ER transmembrane glycoprotein; plus strand). Cytogenetic location: 4p16.1.
Variant type: single nucleotide variant.
Coding change: c.2201T>A on transcript NM_006005.3 (MANE Select); coding-DNA position 2201, T replaced by A.
Protein change: p.Leu734His; replaces leucine 734 with histidine.
Molecular consequence: missense variant.
Genome position (GRCh38, 1-based): chr4:6,301,996, T>A. VCF-style: chr4-6301996-T-A. GRCh37 (hg19) VCF-style: chr4-6303723-T-A.
Other names: c.2201T>A, p.Leu734His (NM_001145853.1); short protein forms L734H.
Identifiers: ClinVar variation 593953 (VCV000593953.6), dbSNP rs1409267086, ClinGen allele CA356178091.
Genomic context (GRCh38, chr4:6,301,996, plus strand): 5'-ACAGCGCCGAGTCTGCCATCAACATGCTCCCGTTCTTCATCGGCGACTGGATGCGCTGCC[T>A]CTACGGCGAGGCCTACCCTGCCTGCAGCCCTGGCAACACCTCCACGGCCGAGGAGGAGCT-3'
Protein context (NP_005996.2, residues 724-744): PFFIGDWMRC[Leu734His]YGEAYPACSP